The following is an entry in ClinVar:

NM_001371986.1(UNC80):c.7587G>A (p.Arg2529=)

Gene: UNC80 (unc-80 subunit of NALCN channel complex; plus strand). Cytogenetic location: 2q34.
Variant type: single nucleotide variant.
Coding change: c.7587G>A on transcript NM_001371986.1 (MANE Select); coding-DNA position 7587, G replaced by A.
Protein change: p.Arg2529=; no amino-acid change (arginine 2529 retained).
Molecular consequence: synonymous variant.
Genome position (GRCh38, 1-based): chr2:209,959,489, G>A. VCF-style: chr2-209959489-G-A. GRCh37 (hg19) VCF-style: chr2-210824213-G-A.
Other names: c.7389G>A, p.Arg2463= (NM_032504.2); c.7374G>A, p.Arg2458= (NM_182587.4).
Identifiers: ClinVar variation 1904653 (VCV001904653.5), dbSNP rs2092522894, ClinGen allele CA431099090.

ClinVar aggregate classification (germline): Uncertain significance (1 of 4 stars; one submission).

Allele frequency attached by ClinVar (database versions not stated): gnomAD exomes 0.00001; TOPMed 0.00001.
gnomAD v4.1: 6 of 1,551,558 alleles (0.00039%); highest among the groups gnomAD compares: Non-Finnish European, 0.00052%; no homozygotes.

Submission:

Labcorp Genetics (formerly Invitae), Labcorp
Classification: Uncertain significance. Last evaluated: 2022-05-30. Review status: criteria provided, single submitter. Criteria: Invitae Variant Classification Sherloc (09022015). Collection method: clinical testing. Allele origin: germline.
Comment: This sequence change affects codon 2463 of the UNC80 mRNA. It is a 'silent' change, meaning that it does not change the encoded amino acid sequence of the UNC80 protein. It affects a nucleotide within the consensus splice site. This variant is not present in population databases (gnomAD no frequency). This variant has not been reported in the literature in individuals affected with UNC80-related conditions. Algorithms developed to predict the effect of sequence changes on RNA splicing suggest that this variant may create or strengthen a splice site. In summary, the available evidence is currently insufficient to determine the role of this variant in disease. Therefore, it has been classified as a Variant of Uncertain Significance.